The following is an entry in ClinVar:

ClinVar aggregate classification (germline): Conflicting classifications of pathogenicity. Review status: criteria provided, conflicting classifications (1 of 4 stars). 4 submissions from 4 submitters: Uncertain significance (1); Likely benign (3). Last evaluated 2026-01-31.

Conditions:
Congenital lactic acidosis, Saguenay-Lac-Saint-Jean type (MC4DN5). Also called: CYTOCHROME c OXIDASE DEFICIENCY, FRENCH CANADIAN TYPE; COX DEFICIENCY, FRENCH CANADIAN TYPE; MITOCHONDRIAL COMPLEX IV DEFICIENCY, NUCLEAR TYPE 5. Identifiers: Orphanet 70472, MedGen C1857355, MONDO:0009069, OMIM 220111.

Allele frequency attached by ClinVar (database versions not stated): gnomAD 0.00040 and 0.00038; ESP Exome Variant Server 0.00046; ExAC 0.00060; TOPMed 0.00038.
gnomAD v4.1: 968 of 1,581,122 alleles (0.061%); highest among the groups gnomAD compares: Non-Finnish European, 0.07%; no homozygotes.

Submissions (4):

Labcorp Genetics (formerly Invitae), Labcorp
Classification: Likely benign. Last evaluated: 2026-01-31. Review status: criteria provided, single submitter. Criteria: Invitae Variant Classification Sherloc (09022015). Collection method: clinical testing. Allele origin: germline.

Blueprint Genetics
Classification: Likely benign. Last evaluated: 2024-11-26. Review status: criteria provided, single submitter. Criteria: ACMG Guidelines, 2015. Collection method: clinical testing. Allele origin: germline.

GeneDx
Classification: Likely benign. Last evaluated: 2018-03-01. Review status: criteria provided, single submitter. Criteria: GeneDx Variant Classification (06012015). Collection method: clinical testing. Allele origin: germline. Affected: yes.
Comment: This variant is considered likely benign or benign based on one or more of the following criteria: it is a conservative change, it occurs at a poorly conserved position in the protein, it is predicted to be benign by multiple in silico algorithms, and/or has population frequency not consistent with disease.

Illumina Laboratory Services, Illumina
Classification: Uncertain significance for Congenital lactic acidosis, Saguenay-Lac-Saint-Jean type. Last evaluated: 2018-01-12. Review status: criteria provided, single submitter. Criteria: ICSL Variant Classification Criteria 13 December 2019. Collection method: clinical testing. Allele origin: germline.

NM_133259.4(LRPPRC):c.1842+10C>T

Gene: LRPPRC (leucine rich pentatricopeptide repeat containing; minus strand). Cytogenetic location: 2p21.
Variant type: single nucleotide variant.
Coding change: c.1842+10C>T on transcript NM_133259.4 (MANE Select); 10 bases into the intron after coding-DNA position 1842, C replaced by T.
Molecular consequence: intron variant.
Genome position (GRCh38, 1-based): chr2:43,948,402, G>A on the plus strand (C>T on the coding strand, the complement: LRPPRC is on the minus strand). VCF-style: chr2-43948402-G-A. GRCh37 (hg19) VCF-style: chr2-44175541-G-A.
Identifiers: ClinVar variation 378097 (VCV000378097.16), dbSNP rs373649496, ClinGen allele CA1638735.